The following is an entry in ClinVar:

ClinVar aggregate classification (germline): Uncertain significance. Review status: criteria provided, multiple submitters, no conflicts (2 of 4 stars). 2 submissions from 2 submitters: Uncertain significance (2). Last evaluated 2025-08-29.

Conditions:
Inborn genetic diseases. Identifiers: MedGen C0950123, MeSH D030342.

gnomAD v4.1: 7 of 1,153,860 alleles (0.00061%); highest among the groups gnomAD compares: Non-Finnish European, 0.00071%; no homozygotes.

Submissions (2):

Ambry Genetics
Classification: Uncertain significance for Inborn genetic diseases. Last evaluated: 2025-08-29. Review status: criteria provided, single submitter. Criteria: Ambry Variant Classification Scheme 2023. Collection method: clinical testing. Allele origin: germline.

Labcorp Genetics (formerly Invitae), Labcorp
Classification: Uncertain significance. Last evaluated: 2025-05-01. Review status: criteria provided, single submitter. Criteria: Invitae Variant Classification Sherloc (09022015). Collection method: clinical testing. Allele origin: germline.
Comment: This sequence change replaces methionine, which is neutral and non-polar, with valine, which is neutral and non-polar, at codon 331 of the BRWD3 protein (p.Met331Val). This variant is present in population databases (rs765942717, gnomAD 0.004%), including at least one homozygous and/or hemizygous individual. This variant has not been reported in the literature in individuals affected with BRWD3-related conditions. Invitae Evidence Modeling of protein sequence and biophysical properties (such as structural, functional, and spatial information, amino acid conservation, physicochemical variation, residue mobility, and thermodynamic stability) indicates that this missense variant is not expected to disrupt BRWD3 protein function with a negative predictive value of 80%. In summary, the available evidence is currently insufficient to determine the role of this variant in disease. Therefore, it has been classified as a Variant of Uncertain Significance.

NM_153252.5(BRWD3):c.991A>G (p.Met331Val)

Gene: BRWD3 (bromodomain and WD repeat domain containing 3; minus strand). Cytogenetic location: Xq21.1.
Variant type: single nucleotide variant.
Coding change: c.991A>G on transcript NM_153252.5 (MANE Select); coding-DNA position 991, A replaced by G.
Protein change: p.Met331Val; replaces methionine 331 with valine.
Molecular consequence: missense variant.
Genome position (GRCh38, 1-based): chrX:80,734,213, T>C on the plus strand (A>G on the coding strand, the complement: BRWD3 is on the minus strand). VCF-style: chrX-80734213-T-C. GRCh37 (hg19) VCF-style: chrX-79989712-T-C.
Other names: c.991A>G, p.Met331Val (NM_001441339.1); short protein forms M331V.
Identifiers: ClinVar variation 4216429 (VCV004216429.2).
Genomic context (GRCh38, chrX:80,734,213, plus strand): 5'-CCTCAGAACCCAAATAATATATTCTAATCACATGGTCAGTACTACCAGTTGTAATGAACA[T>C]ACCACCTAGAAGATTAAAAAACAAAACAAAACATAGTACCAAGGAACCTTAAAAACCCTC-3'
Protein context (NP_694984.5, residues 321-341): ISCSSFSSGG[Met331Val]FITTGSTDHV